The following is an entry in ClinVar:

NM_030653.4(DDX11):c.1102C>T (p.Pro368Ser)

Gene: DDX11 (DEAD/H-box helicase 11; plus strand). Cytogenetic location: 12p11.21.
Variant type: single nucleotide variant.
Coding change: c.1102C>T on transcript NM_030653.4 (MANE Select); coding-DNA position 1102, C replaced by T.
Protein change: p.Pro368Ser; replaces proline 368 with serine.
Molecular consequence: missense variant. On other transcripts: non-coding transcript variant (4).
Genome position (GRCh38, 1-based): chr12:31,091,731, C>T. VCF-style: chr12-31091731-C-T. GRCh37 (hg19) VCF-style: chr12-31244665-C-T.
Other names: c.1102C>T, p.Pro368Ser (NM_001257144.2, NM_001413692.1, NM_001413693.1 and 5 more transcripts); c.1024C>T, p.Pro342Ser (NM_001257145.2, NM_001413697.1, NM_001413698.1 and 1 more transcripts); c.1015C>T, p.Pro339Ser (NM_001413700.1); c.574C>T, p.Pro192Ser (NM_001413702.1, NM_001413703.1); c.241C>T, p.Pro81Ser (NM_001413704.1, NM_001413705.1); c.136C>T, p.Pro46Ser (NM_001413706.1); short protein forms P192S, P339S, P342S, P368S, P46S, P81S.
Identifiers: ClinVar variation 4535710 (VCV004535710.2).

ClinVar aggregate classification (germline): Uncertain significance. Review status: criteria provided, multiple submitters, no conflicts (2 of 4 stars). 2 submissions from 2 submitters: Uncertain significance (2). Last evaluated 2025-09-05.

Submissions (2):

Women's Health and Genetics/Laboratory Corporation of America, LabCorp
Classification: Uncertain significance. Last evaluated: 2025-09-05. Review status: criteria provided, single submitter. Criteria: LabCorp Variant Classification Summary - May 2015. Collection method: clinical testing. Allele origin: germline.
Comment: Variant summary: DDX11 c.1102C>T (p.Pro368Ser) results in a non-conservative amino acid change in the encoded protein sequence. Algorithms developed to predict the effect of missense changes on protein structure and function are either unavailable or do not agree on the potential impact of this missense change. The frequency data for this variant in gnomAD is considered unreliable, as metrics indicate poor data quality at this position. To our knowledge, no occurrence of c.1102C>T in individuals affected with DDX11-related conditions and no experimental evidence demonstrating its impact on protein function have been reported. No submitters have cited clinical-significance assessments for this variant to ClinVar. Based on the evidence outlined above, the variant was classified as uncertain significance.

Blueprint Genetics
Classification: Uncertain significance. Last evaluated: 2024-11-22. Review status: criteria provided, single submitter. Criteria: ACMG Guidelines, 2015. Collection method: clinical testing. Allele origin: germline.

Literature cited by the submitters: PubMed 26344056 (cited by Women's Health and Genetics/Laboratory Corporation of America, LabCorp); PubMed 27685995 (cited by Women's Health and Genetics/Laboratory Corporation of America, LabCorp); PubMed 27453577 (cited by Women's Health and Genetics/Laboratory Corporation of America, LabCorp); PubMed 36991000 (cited by Women's Health and Genetics/Laboratory Corporation of America, LabCorp); PubMed 27655895 (cited by Women's Health and Genetics/Laboratory Corporation of America, LabCorp); PubMed 38426642 (cited by Women's Health and Genetics/Laboratory Corporation of America, LabCorp).